The following is an entry in ClinVar:

NM_170707.4(LMNA):c.491A>G (p.Asp164Gly)

Genes: LMNA (lamin A/C; plus strand), LOC126805877 (MED14-independent group 3 enhancer GRCh37_chr1:156099693-156100892; plus strand). Cytogenetic location: 1q22.
Variant type: single nucleotide variant.
Coding change: c.491A>G on transcript NM_170707.4 (MANE Select); coding-DNA position 491, A replaced by G.
Protein change: p.Asp164Gly; replaces aspartic acid 164 with glycine.
Molecular consequence: missense variant.
Genome position (GRCh38, 1-based): chr1:156,130,751, A>G. VCF-style: chr1-156130751-A-G. GRCh37 (hg19) VCF-style: chr1-156100542-A-G.
Other names: c.155A>G, p.Asp52Gly (NM_001257374.3); c.248A>G, p.Asp83Gly (NM_001282624.2); c.491A>G, p.Asp164Gly (NM_001282625.2, NM_001282626.2, NM_005572.4 and 1 more transcripts); c.491A>G (NM_170707.2); short protein forms D52G, D83G, D164G.
Identifiers: ClinVar variation 945868 (VCV000945868.12), dbSNP rs1650988739, ClinGen allele CA342815636.

ClinVar aggregate classification (germline): Uncertain significance. Review status: criteria provided, multiple submitters, no conflicts (2 of 4 stars). 3 submissions from 3 submitters: Uncertain significance (3). Last evaluated 2025-08-18.

Conditions:
Charcot-Marie-Tooth disease type 2. Also called: Charcot-Marie-Tooth type 2. Identifiers: Orphanet 64746, MedGen C0270914, MONDO:0018993.
Cardiovascular phenotype. Identifiers: MedGen CN230736.
Primary dilated cardiomyopathy (DCM). Also called: Dilated Cardiomyopathy. Identifiers: Orphanet 217604, MedGen C0007193, MeSH D002311, MONDO:0005021, HP:0001644. Inheritance: Various modes of inheritance.

Submissions (3):

Ambry Genetics
Classification: Uncertain significance for Cardiovascular phenotype. Last evaluated: 2025-08-18. Review status: criteria provided, single submitter. Criteria: Ambry Variant Classification Scheme 2023. Collection method: clinical testing. Allele origin: germline.
Comment: The p.D164G variant (also known as c.491A>G), located in coding exon 2 of the LMNA gene, results from an A to G substitution at nucleotide position 491. The aspartic acid at codon 164 is replaced by glycine, an amino acid with similar properties. This variant was reported in individual(s) with features consistent with cardiomyopathy and cardiac conduction disease (Park J et al. Genet Med, 2020 Jan;22:102-111). This amino acid position is not well conserved in available vertebrate species. In addition, the in silico prediction for this alteration is inconclusive. Based on the available evidence, the clinical significance of this variant remains unclear.

Labcorp Genetics (formerly Invitae), Labcorp
Classification: Uncertain significance for Charcot-Marie-Tooth disease type 2. Last evaluated: 2025-04-23. Review status: criteria provided, single submitter. Criteria: Invitae Variant Classification Sherloc (09022015). Collection method: clinical testing. Allele origin: germline.
Comment: This sequence change replaces aspartic acid, which is acidic and polar, with glycine, which is neutral and non-polar, at codon 164 of the LMNA protein (p.Asp164Gly). This variant is not present in population databases (gnomAD no frequency). This missense change has been observed in individual(s) with LMNA-related conditions (PMID: 31383942). ClinVar contains an entry for this variant (Variation ID: 945868). Invitae Evidence Modeling of protein sequence and biophysical properties (such as structural, functional, and spatial information, amino acid conservation, physicochemical variation, residue mobility, and thermodynamic stability) indicates that this missense variant is expected to disrupt LMNA protein function with a positive predictive value of 95%. In summary, the available evidence is currently insufficient to determine the role of this variant in disease. Therefore, it has been classified as a Variant of Uncertain Significance.

All of Us Research Program, National Institutes of Health
Classification: Uncertain significance for Primary dilated cardiomyopathy. Last evaluated: 2024-02-05. Review status: criteria provided, single submitter. Criteria: ACMG Guidelines, 2015. Collection method: clinical testing. Allele origin: germline. Inheritance: Autosomal dominant inheritance. Observed: 1 variant allele, 1 heterozygote.
Comment: This missense variant replaces aspartic acid with glycine at codon 164 of the LMNA protein. Computational prediction tools indicate that this variant's impact on protein structure and function is inconclusive. To our knowledge, functional studies have not been reported for this variant. This variant has been reported one individual affected with cardiomyopathy and conduction defect (PMID: 31383942). This variant has not been identified in the general population by the Genome Aggregation Database (gnomAD). The available evidence is insufficient to determine the role of this variant in disease conclusively. Therefore, this variant is classified as a Variant of Uncertain Significance.

This study involves interpretation of variants in research participants for the purpose of population health screening. Participant phenotype was not available at the time of variant classification. Additional details can be found in publication PMID: 35346344, PMCID: PMC8962531

Literature cited by the submitters: PubMed 31383942 (cited by 3 submitters).